The following is an entry in ClinVar:

NM_005559.4(LAMA1):c.1529A>G (p.Asp510Gly)

Genes: LAMA1 (laminin subunit alpha 1; minus strand), LOC112543434 (P300/CBP strongly-dependent group 1 enhancer GRCh37_chr18:7038146-7039345; plus strand). Cytogenetic location: 18p11.31.
Variant type: single nucleotide variant.
Coding change: c.1529A>G on transcript NM_005559.4 (MANE Select); coding-DNA position 1529, A replaced by G.
Protein change: p.Asp510Gly; replaces aspartic acid 510 with glycine.
Molecular consequence: missense variant.
Genome position (GRCh38, 1-based): chr18:7,038,844, T>C on the plus strand (A>G on the coding strand, the complement: LAMA1 is on the minus strand). VCF-style: chr18-7038844-T-C. GRCh37 (hg19) VCF-style: chr18-7038843-T-C.
Other names: short protein forms D510G.
Identifiers: ClinVar variation 1932769 (VCV001932769.5), dbSNP rs1216520872, ClinGen allele CA401833917.

ClinVar aggregate classification (germline): Uncertain significance (1 of 4 stars; one submission).

gnomAD v4.1: 3 of 1,614,170 alleles (0.00019%); highest among the groups gnomAD compares: Admixed American, 0.0033%; no homozygotes.

Submission:

Labcorp Genetics (formerly Invitae), Labcorp
Classification: Uncertain significance. Last evaluated: 2022-09-08. Review status: criteria provided, single submitter. Criteria: Invitae Variant Classification Sherloc (09022015). Collection method: clinical testing. Allele origin: germline.
Comment: This sequence change replaces aspartic acid, which is acidic and polar, with glycine, which is neutral and non-polar, at codon 510 of the LAMA1 protein (p.Asp510Gly). This variant is present in population databases (no rsID available, gnomAD 0.003%). This variant has not been reported in the literature in individuals affected with LAMA1-related conditions. Algorithms developed to predict the effect of missense changes on protein structure and function output the following: SIFT: "Tolerated"; PolyPhen-2: "Benign"; Align-GVGD: "Class C0". The glycine amino acid residue is found in multiple mammalian species, which suggests that this missense change does not adversely affect protein function. In summary, the available evidence is currently insufficient to determine the role of this variant in disease. Therefore, it has been classified as a Variant of Uncertain Significance.